The following is an entry in ClinVar:

ClinVar aggregate classification (germline): Uncertain significance (1 of 4 stars; one submission).

Conditions:
Long QT syndrome (LQTS). Identifiers: MedGen C0023976, MeSH D008133, MONDO:0002442. Disease mechanism: loss of function. Inheritance: Various modes of inheritance.

gnomAD v4.1: 1 of 1,553,236 alleles (0.000064%); highest among the groups gnomAD compares: Non-Finnish European, 0.000089%; no homozygotes.

Submission:

Labcorp Genetics (formerly Invitae), Labcorp
Classification: Uncertain significance for Long QT syndrome. Last evaluated: 2025-08-18. Review status: criteria provided, single submitter. Criteria: Invitae Variant Classification Sherloc (09022015). Collection method: clinical testing. Allele origin: germline.
Comment: This sequence change falls in intron 29 of the CACNA1C gene. It does not directly change the encoded amino acid sequence of the CACNA1C protein. It affects a nucleotide within the consensus splice site. This variant is not present in population databases (gnomAD no frequency). This variant has not been reported in the literature in individuals affected with CACNA1C-related conditions. Variants that disrupt the consensus splice site are a relatively common cause of aberrant splicing (PMID: 17576681, 9536098). Algorithms developed to predict the effect of sequence changes on RNA splicing suggest that this variant is not likely to affect RNA splicing. In summary, the available evidence is currently insufficient to determine the role of this variant in disease. Therefore, it has been classified as a Variant of Uncertain Significance.

Literature cited by the submitters: PubMed 17576681; PubMed 9536098.

NM_000719.7(CACNA1C):c.3828+4G>A

Gene: CACNA1C (calcium voltage-gated channel subunit alpha1 C; plus strand). Cytogenetic location: 12p13.33.
Variant type: single nucleotide variant.
Coding change: c.3828+4G>A on transcript NM_000719.7 (MANE Select); 4 bases into the intron after coding-DNA position 3828, G replaced by A.
Molecular consequence: intron variant.
Genome position (GRCh38, 1-based): chr12:2,612,017, G>A. VCF-style: chr12-2612017-G-A. GRCh37 (hg19) VCF-style: chr12-2721183-G-A.
Other names: c.3828+4G>A (NM_001167624.3, NM_001167623.2, NM_001167625.2 and 15 more transcripts); c.3888+4G>A (NM_199460.4, NM_001129827.2, NM_001129832.2); c.3819+4G>A (NM_001129844.2).
Identifiers: ClinVar variation 4705449 (VCV004705449.1).
Genomic context (GRCh38, chr12:2,612,017, plus strand): 5'-TTCACTGGCCTCTTCACCGTGGAGATGATCCTGAAGCTCATTGCCTTCAAACCCAAGGTA[G>A]GCCTCTGAGAAAGACCTTTGATTCCCAGGCATCAGGGGTGGACAGAACGGGGAGGTGGGG-3'